The following is an entry in ClinVar:

NM_001370259.2(MEN1):c.384C>G (p.Ser128Arg)

Gene: MEN1 (menin 1; minus strand). Cytogenetic location: 11q13.1.
Variant type: single nucleotide variant.
Coding change: c.384C>G on transcript NM_001370259.2 (MANE Select); coding-DNA position 384, C replaced by G.
Protein change: p.Ser128Arg; replaces serine 128 with arginine.
Molecular consequence: missense variant. On other transcripts: non-coding transcript variant (4).
Genome position (GRCh38, 1-based): chr11:64,809,726, G>C on the plus strand (C>G on the coding strand, the complement: MEN1 is on the minus strand). VCF-style: chr11-64809726-G-C. GRCh37 (hg19) VCF-style: chr11-64577198-G-C.
Other names: c.384C>G, p.Ser128Arg (NM_001407143.1, NM_001407144.1, NM_001407145.1 and 20 more transcripts); short protein forms S128R.
Identifiers: ClinVar variation 4646562 (VCV004646562.2).

ClinVar aggregate classification (germline): Uncertain significance (1 of 4 stars; one submission).

Conditions:
Hereditary cancer-predisposing syndrome. Also called: Hereditary Cancer Syndrome; Hereditary neoplastic syndrome; Neoplastic Syndromes, Hereditary; Tumor predisposition. Identifiers: Orphanet 140162, MedGen C0027672, MeSH D009386, MONDO:0015356.

Submission:

Ambry Genetics
Classification: Uncertain significance for Hereditary cancer-predisposing syndrome. Last evaluated: 2026-08-28. Review status: criteria provided, single submitter. Criteria: Ambry Variant Classification Scheme 2023. Collection method: clinical testing. Allele origin: germline.
Comment: The p.S128R variant (also known as c.384C>G), located in coding exon 1 of the MEN1 gene, results from a C to G substitution at nucleotide position 384. The serine at codon 128 is replaced by arginine, an amino acid with dissimilar properties. This amino acid position is conserved. In addition, this alteration is predicted to be deleterious by in silico analysis. Based on the available evidence, the clinical significance of this variant remains unclear.